The following is an entry in ClinVar:

NM_000642.3(AGL):c.488T>A (p.Leu163Ter)

Gene: AGL (amylo-alpha-1,6-glucosidase and 4-alpha-glucanotransferase; plus strand). Cytogenetic location: 1p21.2.
Variant type: single nucleotide variant.
Coding change: c.488T>A on transcript NM_000642.3 (MANE Select); coding-DNA position 488, T replaced by A.
Protein change: p.Leu163Ter; replaces leucine 163 with a stop codon.
Molecular consequence: nonsense. On other transcripts: intron variant (2).
Genome position (GRCh38, 1-based): chr1:99,864,413, T>A. VCF-style: chr1-99864413-T-A. GRCh37 (hg19) VCF-style: chr1-100329969-T-A.
Other names: c.488T>A, p.Leu163Ter (NM_000028.3, NM_000643.3, NM_000644.3 and 3 more transcripts); c.440T>A, p.Leu147Ter (NM_000646.3); c.110T>A, p.Leu37Ter (NM_001425332.1); c.460+1990T>A (NM_001425328.1, NM_001425329.1); short protein forms L163*, L147*, L37*.
Identifiers: ClinVar variation 3655808 (VCV003655808.2).

ClinVar aggregate classification (germline): Pathogenic (1 of 4 stars; one submission).

Conditions:
Glycogen storage disease type III (GSD3). Also called: FORBES DISEASE; Cori disease. Identifiers: Orphanet 366, MedGen C0017922, MONDO:0009291, OMIM 232400.

Submission:

Labcorp Genetics (formerly Invitae), Labcorp
Classification: Pathogenic for Glycogen storage disease type III. Last evaluated: 2025-12-31. Review status: criteria provided, single submitter. Criteria: Invitae Variant Classification Sherloc (09022015). Collection method: clinical testing. Allele origin: germline.
Comment: This sequence change creates a premature translational stop signal (p.Leu163*) in the AGL gene. It is expected to result in an absent or disrupted protein product. Loss-of-function variants in AGL are known to be pathogenic (PMID: 19299494). This variant is not present in population databases (gnomAD no frequency). This variant has not been reported in the literature in individuals affected with AGL-related conditions. ClinVar contains an entry for this variant (Variation ID: 3655808). Algorithms developed to predict the effect of sequence changes on RNA splicing suggest that this variant may disrupt the consensus splice site. For these reasons, this variant has been classified as Pathogenic.

Literature cited by the submitters: PubMed 19299494.